The following is an entry in ClinVar:

NM_007294.4(BRCA1):c.547+364_547+365del

Gene: BRCA1 (BRCA1 DNA repair associated; minus strand). Cytogenetic location: 17q21.31.
Variant type: Deletion.
Coding change: c.547+364_547+365del on transcript NM_007294.4 (MANE Select); bases 364 to 365 of the intron after coding-DNA position 547, 2 bases deleted (GT; older notation c.547+364_547+365delGT).
Molecular consequence: intron variant.
Genome position (GRCh38, 1-based): chr17:43,099,410-43,099,411, AC deleted on the plus strand (GT on the coding strand, the reverse complement: BRCA1 is on the minus strand); deleting any 2 consecutive bases within chr17:43,099,410-43,099,412 gives the same sequence; the c. name uses the placement nearest the transcript's 3' end. VCF-style (leftmost placement, unchanged base first): chr17-43099409-TAC-T. GRCh37 (hg19) VCF-style: chr17-41251426-TAC-T.
Other names: IVS 8+364del2; c.544+364_544+365del (NM_001408398.1, NM_001407992.1, NM_001407629.1 and 65 more transcripts); c.547+364_547+365del (NM_001408440.1, NM_001408428.1, NM_001407678.1 and 96 more transcripts); c.334+364_334+365del (NM_001407917.1, NM_001407956.1, NM_001407897.1 and 18 more transcripts); c.403+364_403+365del (NM_001408462.1, NM_001407838.1, NM_001407741.1 and 35 more transcripts); c.337+364_337+365del (NM_001407902.1, NM_001407947.1, NM_001408514.1 and 37 more transcripts); c.469+364_469+365del (NM_001408414.1, NM_001408411.1, NM_001407655.1 and 12 more transcripts); c.406+364_406+365del (NM_001407724.1, NM_001407697.1, NM_001408410.1 and 61 more transcripts); and 6 more.
Identifiers: ClinVar variation 209461 (VCV000209461.2), dbSNP rs201060127, ClinGen allele CA276431.

ClinVar aggregate classification (germline): Benign (3 of 4 stars; one submission).

Conditions:
Breast-ovarian cancer, familial, susceptibility to, 1 (BROVCA1). Also called: BRCA1 Hereditary Breast and Ovarian Cancer; OVARIAN CANCER, SUSCEPTIBILITY TO. Identifiers: Orphanet 145, MedGen C2676676, MONDO:0011450, OMIM 604370. Disease mechanism: loss of function.

Submission:

Evidence-based Network for the Interpretation of Germline Mutant Alleles (ENIGMA)
Classification: Benign for Breast-ovarian cancer, familial 1. Last evaluated: 2015-01-12. Review status: reviewed by expert panel. Criteria: ENIGMA BRCA1/2 Classification Criteria (2015). Collection method: curation. Allele origin: germline.
Comment: Class 1 not pathogenic based on frequency >1% in an outbred sampleset. Frequency 0.06 (African), derived from 1000 genomes (2012-04-30).